The following is an entry in ClinVar:

NM_182961.4(SYNE1):c.21706G>A (p.Ala7236Thr)

Gene: SYNE1 (spectrin repeat containing nuclear envelope protein 1; minus strand). Cytogenetic location: 6q25.2.
Variant type: single nucleotide variant.
Coding change: c.21706G>A on transcript NM_182961.4 (MANE Select); coding-DNA position 21706, G replaced by A.
Protein change: p.Ala7236Thr; replaces alanine 7236 with threonine.
Molecular consequence: missense variant.
Genome position (GRCh38, 1-based): chr6:152,220,997, C>T on the plus strand (G>A on the coding strand, the complement: SYNE1 is on the minus strand). VCF-style: chr6-152220997-C-T. GRCh37 (hg19) VCF-style: chr6-152542132-C-T.
Other names: c.21493G>A, p.Ala7165Thr (NM_033071.5); short protein forms A7236T, A7165T.
Identifiers: ClinVar variation 288185 (VCV000288185.18), dbSNP rs202121741, ClinGen allele CA4054079.
Genomic context (GRCh38, chr6:152,220,997, plus strand): 5'-GAACTGTCGAAGCACACTGTTTGGAGTAGTCCTTGTATCTTTGCCAAAGCTGAAGTAGGG[C>T]CTTGCTGGACTGTAGCTGCTCAGCAATCTCTTCCAGCAAGTTATTCCATCTGGAAATAAT-3'
Protein context (NP_892006.3, residues 7226-7246): EIAEQLQSSK[Ala7236Thr]LLQLWQRYKD

ClinVar aggregate classification (germline): Uncertain significance. Review status: criteria provided, multiple submitters, no conflicts (2 of 4 stars). 7 submissions from 7 submitters: Uncertain significance (6). 1 of the submissions does not count toward it. Last evaluated 2025-10-24.

Conditions:
Autosomal recessive ataxia, Beauce type. Also called: Spinocerebellar ataxia, autosomal recessive 8; ATAXIA, RECESSIVE, OF BEAUCE; SYNE1 Deficiency; SYNE1-Related Autosomal Recessive Cerebellar Ataxia. Identifiers: Orphanet 88644, MedGen C1853116, MONDO:0012549, OMIM 610743.
Emery-Dreifuss muscular dystrophy 4, autosomal dominant (EDMD4). Also called: EMERY-DREIFUSS MUSCULAR DYSTROPHY 4 WITH VARIABLE FEATURES. Identifiers: Orphanet 261, MedGen C2751807, MONDO:0013071, OMIM 612998.

Allele frequency attached by ClinVar (database versions not stated): TOPMed 0.00004; gnomAD 0.00006; gnomAD exomes 0.00006; ExAC 0.00007; ESP Exome Variant Server 0.00008.
gnomAD v4.1: 98 of 1,614,018 alleles (0.0061%); highest among the groups gnomAD compares: South Asian, 0.016%; no homozygotes.

Submissions (7):

Labcorp Genetics (formerly Invitae), Labcorp
Classification: Uncertain significance for Emery-Dreifuss muscular dystrophy 4, autosomal dominant; Autosomal recessive ataxia, Beauce type. Last evaluated: 2025-10-24. Review status: criteria provided, single submitter. Criteria: Invitae Variant Classification Sherloc (09022015). Collection method: clinical testing. Allele origin: germline.
Comment: This sequence change replaces alanine, which is neutral and non-polar, with threonine, which is neutral and polar, at codon 7165 of the SYNE1 protein (p.Ala7165Thr). This variant is present in population databases (rs202121741, gnomAD 0.009%). This variant has not been reported in the literature in individuals affected with SYNE1-related conditions. ClinVar contains an entry for this variant (Variation ID: 288185). An algorithm developed to predict the effect of missense changes on protein structure and function (PolyPhen-2) suggests that this variant is likely to be tolerated. In summary, the available evidence is currently insufficient to determine the role of this variant in disease. Therefore, it has been classified as a Variant of Uncertain Significance.

GeneDx
Classification: Uncertain significance. Last evaluated: 2025-08-07. Review status: criteria provided, single submitter. Criteria: GeneDx Variant Classification Process June 2021. Collection method: clinical testing. Allele origin: germline. Affected: yes.
Comment: In silico analysis suggests that this missense variant does not alter protein structure/function; Has not been previously published as pathogenic or benign to our knowledge

Dubai Health Genomic Medicine Center, Dubai Health
Classification: Uncertain significance. Last evaluated: 2020-03-19. Review status: criteria provided, single submitter. Criteria: ACMG Guidelines, 2015. Collection method: clinical testing. Allele origin: germline. Affected: yes.

Revvity Omics, Revvity
Classification: Uncertain significance. Last evaluated: 2020-02-18. Review status: criteria provided, single submitter. Criteria: ACMG Guidelines, 2015. Collection method: clinical testing. Allele origin: germline.

Genomic Research Center, Shahid Beheshti University of Medical Sciences
Classification: Uncertain significance for Autosomal recessive ataxia, Beauce type. Last evaluated: 2018-03-05. Review status: criteria provided, single submitter. Criteria: ACMG Guidelines, 2015. Collection method: clinical testing. Allele origin: inherited. Affected: no. Observed: 1 variant allele.

Eurofins Ntd Llc (ga)
Classification: Uncertain significance. Last evaluated: 2016-05-22. Review status: criteria provided, single submitter. Criteria: EGL Classification Definitions 2015. Collection method: clinical testing. Allele origin: germline. Observed: 1 variant allele, 1 heterozygote.

Department of Pathology and Laboratory Medicine, Sinai Health System
Classification: Uncertain significance. Review status: no assertion criteria provided. Collection method: clinical testing. Allele origin: unknown. Affected: yes. Study: The Canadian Open Genetics Repository (COGR). Not counted in ClinVar's aggregate classification.
Comment: The SYNE1 p.Ala7236Thr variant was not identified in the literature nor was it identified in LOVD 3.0. The variant was identified in dbSNP (ID: rs202121741) and ClinVar (classified as uncertain significance by EGL Genetics and Genomic Research Center, Shahid Beheshti University of Medical Sciences). The variant was also identified in control databases in 15 of 282616 chromosomes at a frequency of 0.00005308 (Genome Aggregation Database March 6, 2019, v2.1.1). The variant was observed in the following populations: Other in 1 of 7214 chromosomes (freq: 0.000139), European (non-Finnish) in 12 of 128962 chromosomes (freq: 0.000093) and South Asian in 2 of 30616 chromosomes (freq: 0.000065), but was not observed in the African, Latino, Ashkenazi Jewish, East Asian, or European (Finnish) populations. The p.Ala7236 residue is conserved in mammals but not in more distantly related organisms however four out of five computational analyses (PolyPhen-2, SIFT, AlignGVGD, BLOSUM, MutationTaster) do not suggest a high likelihood of impact to the protein; this information is not predictive enough to rule out pathogenicity. The variant occurs outside of the splicing consensus sequence and in silico or computational prediction software programs (SpliceSiteFinder, MaxEntScan, NNSPLICE, GeneSplicer) do not predict a difference in splicing. In summary, based on the above information the clinical significance of this variant cannot be determined with certainty at this time. This variant is classified as a variant of uncertain significance.